The following is an entry in ClinVar:

ClinVar aggregate classification (germline): Uncertain significance (1 of 4 stars; one submission).

Allele frequency attached by ClinVar (database versions not stated): gnomAD exomes below 0.00001; TOPMed below 0.00001.
gnomAD v4.1: 1 of 1,613,436 alleles (0.000062%); highest among the groups gnomAD compares: East Asian, 0.0022%; no homozygotes.

Submission:

Labcorp Genetics (formerly Invitae), Labcorp
Classification: Uncertain significance. Last evaluated: 2024-04-10. Review status: criteria provided, single submitter. Criteria: Invitae Variant Classification Sherloc (09022015). Collection method: clinical testing. Allele origin: germline.
Comment: This sequence change replaces phenylalanine, which is neutral and non-polar, with leucine, which is neutral and non-polar, at codon 288 of the TFRC protein (p.Phe288Leu). This variant is present in population databases (no rsID available, gnomAD 0.006%). This variant has not been reported in the literature in individuals affected with TFRC-related conditions. ClinVar contains an entry for this variant (Variation ID: 1409238). Advanced modeling of protein sequence and biophysical properties (such as structural, functional, and spatial information, amino acid conservation, physicochemical variation, residue mobility, and thermodynamic stability) performed at Invitae indicates that this missense variant is not expected to disrupt TFRC protein function with a negative predictive value of 80%. In summary, the available evidence is currently insufficient to determine the role of this variant in disease. Therefore, it has been classified as a Variant of Uncertain Significance.

NM_001128148.3(TFRC):c.862T>C (p.Phe288Leu)

Gene: TFRC (transferrin receptor; minus strand). Cytogenetic location: 3q29.
Variant type: single nucleotide variant.
Coding change: c.862T>C on transcript NM_001128148.3 (MANE Select); coding-DNA position 862, T replaced by C.
Protein change: p.Phe288Leu; replaces phenylalanine 288 with leucine.
Molecular consequence: missense variant.
Genome position (GRCh38, 1-based): chr3:196,068,070, A>G on the plus strand (T>C on the coding strand, the complement: TFRC is on the minus strand). VCF-style: chr3-196068070-A-G. GRCh37 (hg19) VCF-style: chr3-195794941-A-G.
Other names: c.619T>C, p.Phe207Leu (NM_001313965.2); c.16T>C, p.Phe6Leu (NM_001313966.2); c.862T>C, p.Phe288Leu (NM_003234.4); short protein forms F207L, F288L, F6L.
Identifiers: ClinVar variation 1409238 (VCV001409238.6), dbSNP rs1205511879, ClinGen allele CA355573961.
Genomic context (GRCh38, chr3:196,068,070, plus strand): 5'-ATTTACTCAAGAAATAACTCACATGTCCAAAGAATGAAAGTTCTGCGTTAACAATGGGAA[A>G]TTTAGTCTGGTCCATGTATATCAACACACCAATTGCATTTAAGCTTTCAGCATTTGCAAC-3'
Protein context (NP_001121620.1, residues 278-298): GVLIYMDQTK[Phe288Leu]PIVNAELSFF